The following is an entry in ClinVar:

ClinVar aggregate classification (germline): Uncertain significance (1 of 4 stars; one submission).

Conditions:
PLXNB3-related disorder. Also called: PLXNB3-related condition.

Submission:

PreventionGenetics, part of Exact Sciences
Classification: Uncertain significance for PLXNB3-related condition. Last evaluated: 2022-08-18. Review status: criteria provided, single submitter. Criteria: ACMG Guidelines, 2015. Collection method: clinical testing. Allele origin: germline.
Comment: The PLXNB3 c.3417dupA variant is predicted to result in a frameshift and premature protein termination (p.Ala1140Serfs*128). To our knowledge, this variant has not been reported in the literature or in a large population database, indicating this variant is rare. Loss of function is not an established mechanism of PLXNB3-related disease. At this time, the clinical significance of this variant is uncertain due to the absence of conclusive functional and genetic evidence.

NM_005393.3(PLXNB3):c.3348dup (p.Ala1117fs)

Gene: PLXNB3 (plexin B3; plus strand). Cytogenetic location: Xq28.
Variant type: Duplication.
Coding change: c.3348dup on transcript NM_005393.3 (MANE Select); coding-DNA position 3348, one base duplicated (A; older notation c.3348dupA).
Protein change: p.Ala1117fs; shifts the reading frame from alanine 1117.
Molecular consequence: frameshift variant.
Genome position (GRCh38, 1-based): chrX:153,773,927, A duplicated. VCF-style (leftmost placement, unchanged base first): chrX-153773926-G-GA. GRCh37 (hg19) VCF-style: chrX-153039381-G-GA.
Other names: c.3417dup, p.Ala1140fs (NM_001163257.2); short protein forms A1117fs, A1140fs.
Identifiers: ClinVar variation 2636499 (VCV002636499.1), dbSNP rs2522421009, ClinGen allele CA2695197193.